The following is an entry in ClinVar:

ClinVar aggregate classification (germline): Likely benign (1 of 4 stars; one submission).

Allele frequency attached by ClinVar (database versions not stated): TOPMed below 0.00001; ExAC 0.00001; gnomAD exomes 0.00001.

Submission:

CeGaT Center for Human Genetics Tuebingen
Classification: Likely benign. Last evaluated: 2023-10-01. Review status: criteria provided, single submitter. Criteria: CeGaT Center For Human Genetics Tuebingen Variant Classification Criteria Version 2. Collection method: clinical testing. Allele origin: germline. Affected: yes. Observed: 1 variant allele.
Comment: NARS1: BP4, BP7

NM_004539.4(NARS1):c.1038T>G (p.Thr346=)

Gene: NARS1 (asparaginyl-tRNA synthetase 1; minus strand). Cytogenetic location: 18q21.31.
Variant type: single nucleotide variant.
Coding change: c.1038T>G on transcript NM_004539.4 (MANE Select); coding-DNA position 1038, T replaced by G.
Protein change: p.Thr346=; no amino-acid change (threonine 346 retained).
Molecular consequence: synonymous variant.
Genome position (GRCh38, 1-based): chr18:57,606,715, A>C on the plus strand (T>G on the coding strand, the complement: NARS1 is on the minus strand). VCF-style: chr18-57606715-A-C. GRCh37 (hg19) VCF-style: chr18-55273947-A-C.
Identifiers: ClinVar variation 2648752 (VCV002648752.24), dbSNP rs779906849, ClinGen allele CA8973535.
Genomic context (GRCh38, chr18:57,606,715, plus strand): 5'-CAATATTCGATCTACCACATCACAAACCAAGTCCTCCAACCGGTTCAGGAGGTCGTCAAA[A>C]GTCAGGAAAGGACACTCAGCTTCCACGTGAGTGTACCTGAAGAACGAGACAATAGCTCAG-3'
Protein context (NP_004530.1, residues 336-356): THVEAECPFL[Thr346=]FDDLLNRLED